The following is an entry in ClinVar:

NM_000554.6(CRX):c.176_177del (p.Ala59fs)

Gene: CRX (cone-rod homeobox; plus strand). Cytogenetic location: 19q13.33.
Variant type: Deletion.
Coding change: c.176_177del on transcript NM_000554.6 (MANE Select); coding-DNA positions 176 to 177, 2 bases deleted (CC; older notation c.176_177delCC).
Protein change: p.Ala59fs; shifts the reading frame from alanine 59.
Molecular consequence: frameshift variant.
Genome position (GRCh38, 1-based): chr19:47,836,318-47,836,319, CC deleted. VCF-style (leftmost placement, unchanged base first): chr19-47836317-GCC-G. GRCh37 (hg19) VCF-style: chr19-48339574-GCC-G.
Other names: short protein forms A59fs.
Identifiers: ClinVar variation 1425620 (VCV001425620.8), dbSNP rs2123739943, ClinGen allele CA2573156485.

ClinVar aggregate classification (germline): Pathogenic (1 of 4 stars; one submission).

Conditions:
Leber congenital amaurosis 7 (LCA7). Identifiers: Orphanet 65, MedGen C3151192, MONDO:0013449, OMIM 613829.
Cone-rod dystrophy 2 (CORD2). Also called: CONE-ROD RETINAL DYSTROPHY; Cone-rod retinal dystrophy 2. Identifiers: Orphanet 1872, MedGen C3489532, MONDO:0007362, OMIM 120970.

Submission:

Labcorp Genetics (formerly Invitae), Labcorp
Classification: Pathogenic for Cone-rod dystrophy 2; Leber congenital amaurosis 7. Last evaluated: 2024-04-17. Review status: criteria provided, single submitter. Criteria: Invitae Variant Classification Sherloc (09022015). Collection method: clinical testing. Allele origin: germline.
Comment: This sequence change creates a premature translational stop signal (p.Ala59Glufs*11) in the CRX gene. While this is not anticipated to result in nonsense mediated decay, it is expected to disrupt the last 241 amino acid(s) of the CRX protein. This variant is not present in population databases (gnomAD no frequency). This variant has not been reported in the literature in individuals affected with CRX-related conditions. ClinVar contains an entry for this variant (Variation ID: 1425620). This variant disrupts a region of the CRX protein in which other variant(s) (p.Tyr258*) have been determined to be pathogenic (PMID: 22968130, 25270190). This suggests that this is a clinically significant region of the protein, and that variants that disrupt it are likely to be disease-causing. For these reasons, this variant has been classified as Pathogenic.

Literature cited by the submitters: PubMed 22968130; PubMed 25270190.